The following is an entry in ClinVar:

NM_015338.6(ASXL1):c.999G>T (p.Met333Ile)

Gene: ASXL1 (ASXL transcriptional regulator 1; plus strand). Cytogenetic location: 20q11.21.
Variant type: single nucleotide variant.
Coding change: c.999G>T on transcript NM_015338.6 (MANE Select); coding-DNA position 999, G replaced by T.
Protein change: p.Met333Ile; replaces methionine 333 with isoleucine.
Molecular consequence: missense variant.
Genome position (GRCh38, 1-based): chr20:32,432,899, G>T. VCF-style: chr20-32432899-G-T. GRCh37 (hg19) VCF-style: chr20-31020702-G-T.
Other names: c.816G>T, p.Met272Ile (NM_001363734.1); c.999G>T (NM_015338.5); short protein forms M333I, M272I.
Identifiers: ClinVar variation 133575 (VCV000133575.2), dbSNP rs587778058, ClinGen allele CA156978.

ClinVar aggregate classification (germline): Uncertain significance. Review status: criteria provided, single submitter (1 of 4 stars). 2 submissions from 2 submitters: Uncertain significance (1). 1 of the submissions does not count toward it. Last evaluated 2026-04-25.

Conditions:
Inborn genetic diseases. Identifiers: MedGen C0950123, MeSH D030342.

Submissions (2):

Ambry Genetics
Classification: Uncertain significance for Inborn genetic diseases. Last evaluated: 2026-04-25. Review status: criteria provided, single submitter. Criteria: Ambry Variant Classification Scheme 2023. Collection method: clinical testing. Allele origin: germline.
Comment: The p.M333I variant (also known as c.999G>T), located in coding exon 11 of the ASXL1 gene, results from a G to T substitution at nucleotide position 999. The methionine at codon 333 is replaced by isoleucine, an amino acid with highly similar properties. This amino acid position is conserved. In addition, this alteration is predicted to be tolerated by in silico analysis. Based on the available evidence, the clinical significance of this variant remains unclear.

ITMI
No classification provided. Condition: AllHighlyPenetrant. Last evaluated: 2013-09-19. Review status: no classification provided. Collection method: reference population. Allele origin: germline. Not counted in ClinVar's aggregate classification.
Comment: Please see associated publication for description of ethnicities

Literature cited by the submitters: PubMed 24728327 (cited by ITMI).